The following is an entry in ClinVar:

NM_001371279.1(REEP1):c.76G>A (p.Ala26Thr)

Gene: REEP1 (receptor accessory protein 1; minus strand). Cytogenetic location: 2p11.2.
Variant type: single nucleotide variant.
Coding change: c.76G>A on transcript NM_001371279.1 (MANE Select); coding-DNA position 76, G replaced by A.
Protein change: p.Ala26Thr; replaces alanine 26 with threonine.
Molecular consequence: missense variant. On other transcripts: intron variant (1).
Genome position (GRCh38, 1-based): chr2:86,282,199, C>T on the plus strand (G>A on the coding strand, the complement: REEP1 is on the minus strand). VCF-style: chr2-86282199-C-T. GRCh37 (hg19) VCF-style: chr2-86509322-C-T.
Other names: c.97G>A, p.Ala33Thr (NM_001164730.2); c.76G>A, p.Ala26Thr (NM_001164732.2, NM_001371280.1, NM_022912.3); c.25-18158G>A (NM_001164731.2); short protein forms A33T, A26T.
Identifiers: ClinVar variation 665066 (VCV000665066.14), dbSNP rs1299952460, ClinGen allele CA347722583.

ClinVar aggregate classification (germline): Uncertain significance. Review status: criteria provided, multiple submitters, no conflicts (2 of 4 stars). 3 submissions from 3 submitters: Uncertain significance (3). Last evaluated 2025-10-21.

Conditions:
Hereditary spastic paraplegia 31. Also called: SPASTIC PARAPLEGIA 31, AUTOSOMAL DOMINANT. Identifiers: Orphanet 101011, MedGen C1853247, MONDO:0012453, OMIM 610250.
Inborn genetic diseases. Identifiers: MedGen C0950123, MeSH D030342.

Allele frequency attached by ClinVar (database versions not stated): gnomAD exomes below 0.00001 and 0.00001; TOPMed below 0.00001.
gnomAD v4.1: 13 of 1,611,240 alleles (0.00081%); highest among the groups gnomAD compares: Non-Finnish European, 0.0011%; no homozygotes.

Submissions (3):

Ambry Genetics
Classification: Uncertain significance for Inborn genetic diseases. Last evaluated: 2025-10-21. Review status: criteria provided, single submitter. Criteria: Ambry Variant Classification Scheme 2023. Collection method: clinical testing. Allele origin: germline.
Comment: The c.76G>A (p.A26T) alteration is located in exon 2 (coding exon 2) of the REEP1 gene. This alteration results from a G to A substitution at nucleotide position 76, causing the alanine (A) at amino acid position 26 to be replaced by a threonine (T). Based on data from gnomAD, the A allele has an overall frequency of <0.001% (1/251370) total alleles studied. The highest observed frequency was 0.001% (1/113648) of European (non-Finnish) alleles. Based on insufficient or conflicting evidence, the clinical significance of this alteration remains unclear.

GeneDx
Classification: Uncertain significance. Last evaluated: 2025-04-25. Review status: criteria provided, single submitter. Criteria: GeneDx Variant Classification Process June 2021. Collection method: clinical testing. Allele origin: germline.
Comment: In silico analysis supports that this missense variant has a deleterious effect on protein structure/function; Has not been previously published as pathogenic or benign to our knowledge

Labcorp Genetics (formerly Invitae), Labcorp
Classification: Uncertain significance for Hereditary spastic paraplegia 31. Last evaluated: 2024-07-30. Review status: criteria provided, single submitter. Criteria: Invitae Variant Classification Sherloc (09022015). Collection method: clinical testing. Allele origin: germline.
Comment: This sequence change replaces alanine, which is neutral and non-polar, with threonine, which is neutral and polar, at codon 26 of the REEP1 protein (p.Ala26Thr). This variant is present in population databases (no rsID available, gnomAD 0.0009%). This variant has not been reported in the literature in individuals affected with REEP1-related conditions. ClinVar contains an entry for this variant (Variation ID: 665066). An algorithm developed to predict the effect of missense changes on protein structure and function (PolyPhen-2) suggests that this variant is likely to be disruptive. In summary, the available evidence is currently insufficient to determine the role of this variant in disease. Therefore, it has been classified as a Variant of Uncertain Significance.